The following is an entry in ClinVar:

NC_000013.10:g.(?_23667335)_(23939436_?)del

Genes: SACS (sacsin molecular chaperone; minus strand), SGCG (sarcoglycan gamma; plus strand). Cytogenetic location: 13q12.12.
Variant type: Deletion.
Identifiers: ClinVar variation 3244139 (VCV003244139.1).

ClinVar aggregate classification (germline): Pathogenic (1 of 4 stars; one submission).

Conditions:
Spastic paraplegia. Identifiers: MedGen C0037772, HP:0001258.

Submission:

Labcorp Genetics (formerly Invitae), Labcorp
Classification: Pathogenic for Spastic paraplegia. Last evaluated: 2023-06-17. Review status: criteria provided, single submitter. Criteria: Invitae Variant Classification Sherloc (09022015). Collection method: clinical testing. Allele origin: unknown.
Comment: This variant is a gross deletion of the genomic region encompassing exon(s) 6-10 of the SACS gene, which includes the termination codon. This deletion extends beyond the assayed region for this gene and therefore may encompass additional genes. While this deletion is not anticipated to lead to nonsense mediated decay, it is expected to alter mRNA translation or result in a truncated protein product. For these reasons, this variant has been classified as Pathogenic. This variant disrupts a region of the SACS protein in which other variant(s) (p.Asn4549Asp) have been determined to be pathogenic (PMID: 15156359, 21507954). This suggests that this is a clinically significant region of the protein, and that variants that disrupt it are likely to be disease-causing. This variant has not been reported in the literature in individuals affected with SACS-related conditions.

Literature cited by the submitters: PubMed 15156359; PubMed 21507954.